The following is an entry in ClinVar:

NM_001142416.2(AIMP1):c.658G>A (p.Gly220Arg)

Gene: AIMP1 (aminoacyl tRNA synthetase complex interacting multifunctional protein 1; plus strand). Cytogenetic location: 4q24.
Variant type: single nucleotide variant.
Coding change: c.658G>A on transcript NM_001142416.2 (MANE Select); coding-DNA position 658, G replaced by A.
Protein change: p.Gly220Arg; replaces glycine 220 with arginine.
Molecular consequence: missense variant.
Genome position (GRCh38, 1-based): chr4:106,336,923, G>A. VCF-style: chr4-106336923-G-A. GRCh37 (hg19) VCF-style: chr4-107258080-G-A.
Other names: c.658G>A, p.Gly220Arg (NM_001142415.2, NM_004757.4); short protein forms G220R.
Identifiers: ClinVar variation 1442607 (VCV001442607.8), dbSNP rs2125926177, ClinGen allele CA357974372.

ClinVar aggregate classification (germline): Uncertain significance (1 of 4 stars; one submission).

Submission:

Labcorp Genetics (formerly Invitae), Labcorp
Classification: Uncertain significance. Last evaluated: 2023-03-10. Review status: criteria provided, single submitter. Criteria: Invitae Variant Classification Sherloc (09022015). Collection method: clinical testing. Allele origin: germline.
Comment: ClinVar contains an entry for this variant (Variation ID: 1442607). In summary, the available evidence is currently insufficient to determine the role of this variant in disease. Therefore, it has been classified as a Variant of Uncertain Significance. An algorithm developed to predict the effect of missense changes on protein structure and function (PolyPhen-2) suggests that this variant is likely to be disruptive. This variant has not been reported in the literature in individuals affected with AIMP1-related conditions. This variant is not present in population databases (gnomAD no frequency). This sequence change replaces glycine, which is neutral and non-polar, with arginine, which is basic and polar, at codon 220 of the AIMP1 protein (p.Gly220Arg).